The following is an entry in ClinVar:

ClinVar aggregate classification (germline): Uncertain significance (1 of 4 stars; one submission).

Submission:

Ambry Genetics
Classification: Uncertain significance. Last evaluated: 2025-05-19. Review status: criteria provided, single submitter. Criteria: Ambry Variant Classification Scheme 2023. Collection method: clinical testing. Allele origin: germline.
Comment: The p.T541A variant (also known as c.1621A>G), located in coding exon 2 of the CDK12 gene, results from an A to G substitution at nucleotide position 1621. The threonine at codon 541 is replaced by alanine, an amino acid with similar properties. This amino acid position is conserved. In addition, this alteration is predicted to be tolerated by in silico analysis. Based on the available evidence, the clinical significance of this variant remains unclear.

NM_016507.4(CDK12):c.1621A>G (p.Thr541Ala)

Gene: CDK12 (cyclin dependent kinase 12; plus strand). Cytogenetic location: 17q12.
Variant type: single nucleotide variant.
Coding change: c.1621A>G on transcript NM_016507.4 (MANE Select); coding-DNA position 1621, A replaced by G.
Protein change: p.Thr541Ala; replaces threonine 541 with alanine.
Molecular consequence: missense variant.
Genome position (GRCh38, 1-based): chr17:39,471,453, A>G. VCF-style: chr17-39471453-A-G. GRCh37 (hg19) VCF-style: chr17-37627706-A-G.
Other names: c.1621A>G, p.Thr541Ala (NM_015083.4); short protein forms T541A.
Identifiers: ClinVar variation 3999468 (VCV003999468.1).